The following is an entry in ClinVar:

ClinVar aggregate classification (germline): Likely benign (1 of 4 stars; one submission).

Allele frequency attached by ClinVar (database versions not stated): gnomAD exomes 0.00864; gnomAD 0.01975 and 0.02072; 1000 Genomes Project 0.02037; 1000 Genomes Project 30x 0.02139; TOPMed 0.02205.
gnomAD v4.1: 7,983 of 712,764 alleles (1.1%); highest among the groups gnomAD compares: African/African-American, 5%; 123 homozygotes.

Submission:

GeneDx
Classification: Likely benign. Last evaluated: 2018-06-14. Review status: criteria provided, single submitter. Criteria: GeneDx Variant Classification (06012015). Collection method: clinical testing. Allele origin: germline. Affected: yes.
Comment: This variant is considered likely benign or benign based on one or more of the following criteria: it is a conservative change, it occurs at a poorly conserved position in the protein, it is predicted to be benign by multiple in silico algorithms, and/or has population frequency not consistent with disease.

NM_003239.5(TGFB3):c.926+188G>A

Gene: TGFB3 (transforming growth factor beta 3; minus strand). Cytogenetic location: 14q24.3.
Variant type: single nucleotide variant.
Coding change: c.926+188G>A on transcript NM_003239.5 (MANE Select); 188 bases into the intron after coding-DNA position 926, G replaced by A.
Molecular consequence: intron variant. On other transcripts: 3 prime UTR variant (1).
Genome position (GRCh38, 1-based): chr14:75,963,128, C>T on the plus strand (G>A on the coding strand, the complement: TGFB3 is on the minus strand). VCF-style: chr14-75963128-C-T. GRCh37 (hg19) VCF-style: chr14-76429471-C-T.
Other names: c.*184G>A (NM_001329938.2); c.926+188G>A (NM_001329939.2).
Identifiers: ClinVar variation 679072 (VCV000679072.1), dbSNP rs3917202, ClinGen allele CA263702926.
Genomic context (GRCh38, chr14:75,963,128, plus strand): 5'-GTTTTCCTCATTTACTTCAGCCAGCTCCTTCCAGAGTTAGCCTATGGAAAAACAGTGGGA[C>T]TCCCAGGAAAACAGAAAGAGATTTCACAGAGAAAATCTCTGTGAGAGATTTTCAGTCTTC-3'